The following is an entry in ClinVar:

NM_000368.5(TSC1):c.1567G>A (p.Ala523Thr)

Gene: TSC1 (TSC complex subunit 1; minus strand). Cytogenetic location: 9q34.13.
Variant type: single nucleotide variant.
Coding change: c.1567G>A on transcript NM_000368.5 (MANE Select); coding-DNA position 1567, G replaced by A.
Protein change: p.Ala523Thr; replaces alanine 523 with threonine.
Molecular consequence: missense variant.
Genome position (GRCh38, 1-based): chr9:132,906,011, C>T on the plus strand (G>A on the coding strand, the complement: TSC1 is on the minus strand). VCF-style: chr9-132906011-C-T. GRCh37 (hg19) VCF-style: chr9-135781398-C-T.
Other names: c.1564G>A, p.Ala522Thr (NM_001162426.2); c.1414G>A, p.Ala472Thr (NM_001162427.2); c.1204G>A, p.Ala402Thr (NM_001362177.2); short protein forms A402T, A522T, A472T, A523T.
Identifiers: ClinVar variation 819534 (VCV000819534.17), dbSNP rs118203548, ClinGen allele CA375365059.

ClinVar aggregate classification (germline): Conflicting classifications of pathogenicity. Review status: criteria provided, conflicting classifications (1 of 4 stars). 3 submissions from 3 submitters: Uncertain significance (2); Likely benign (1). Last evaluated 2026-06-22.

Conditions:
Hereditary cancer-predisposing syndrome. Also called: Tumor predisposition; Hereditary Cancer Syndrome; Neoplastic Syndromes, Hereditary; Hereditary neoplastic syndrome. Identifiers: Orphanet 140162, MedGen C0027672, MeSH D009386, MONDO:0015356.
Tuberous sclerosis 1 (TSC1). Identifiers: Orphanet 805, MedGen C1854465, MONDO:0008612, OMIM 191100.

Submissions (3):

Ambry Genetics
Classification: Likely benign for Hereditary cancer-predisposing syndrome. Last evaluated: 2026-06-22. Review status: criteria provided, single submitter. Criteria: Ambry Variant Classification Scheme 2023. Collection method: clinical testing. Allele origin: germline.

Labcorp Genetics (formerly Invitae), Labcorp
Classification: Uncertain significance for Tuberous sclerosis 1. Last evaluated: 2025-07-16. Review status: criteria provided, single submitter. Criteria: Invitae Variant Classification Sherloc (09022015). Collection method: clinical testing. Allele origin: germline.
Comment: This sequence change replaces alanine, which is neutral and non-polar, with threonine, which is neutral and polar, at codon 523 of the TSC1 protein (p.Ala523Thr). This variant is not present in population databases (gnomAD no frequency). This variant has not been reported in the literature in individuals affected with TSC1-related conditions. ClinVar contains an entry for this variant (Variation ID: 819534). Invitae Evidence Modeling of protein sequence and biophysical properties (such as structural, functional, and spatial information, amino acid conservation, physicochemical variation, residue mobility, and thermodynamic stability) indicates that this missense variant is not expected to disrupt TSC1 protein function with a negative predictive value of 95%. In summary, the available evidence is currently insufficient to determine the role of this variant in disease. Therefore, it has been classified as a Variant of Uncertain Significance.

Genome-Nilou Lab
Classification: Uncertain significance for Tuberous sclerosis 1. Last evaluated: 2021-11-07. Review status: criteria provided, single submitter. Criteria: ACMG Guidelines, 2015. Collection method: clinical testing. Allele origin: germline. Affected: no.